The following is an entry in ClinVar:

ClinVar aggregate classification (germline): Conflicting classifications of pathogenicity. Review status: criteria provided, conflicting classifications (1 of 4 stars). 19 submissions from 12 submitters: Uncertain significance (7); Benign (1); Likely benign (10). 1 of the submissions does not count toward it. Last evaluated 2026-08-01.

Conditions:
CEP290-related disorder. Also called: CEP290-related condition; CEP290-related disorders. Identifiers: MedGen CN239314.
Joubert syndrome. Also called: Familial aplasia of the vermis; JOUBERT-BOLTSHAUSER SYNDROME. Identifiers: Orphanet 475, MedGen C5979921, MONDO:0018772.
Nephronophthisis. Also called: Juvenile Nephronophthisis. Identifiers: Orphanet 655, MedGen C0687120, MONDO:0019005, HP:0000090.
Meckel-Gruber syndrome. Also called: Dysencephalia splachnocystica; DYSENCEPHALIA SPLANCHNOCYSTICA; GRUBER SYNDROME. Identifiers: Orphanet 564, MedGen C0265215, MONDO:0018921.
Meckel syndrome, type 4 (MKS4). Also called: MECKEL-GRUBER SYNDROME, TYPE 4. Identifiers: Orphanet 564, MedGen C1970161, MONDO:0012626, OMIM 611134.
Leber congenital amaurosis (LCA). Also called: Leber's amaurosis. Identifiers: Orphanet 65, MedGen C0339527, MeSH D057130, MONDO:0018998.
Joubert syndrome 5 (JBTS5). Identifiers: Orphanet 2318, MedGen C1857780, MONDO:0012432, OMIM 610188.
Senior-Loken syndrome 6 (SLSN6). Identifiers: Orphanet 3156, MedGen C1857779, MONDO:0012433, OMIM 610189.
Leber congenital amaurosis 10 (LCA10). Identifiers: Orphanet 65, MedGen C1857821, MONDO:0012723, OMIM 611755.
Bardet-Biedl syndrome 14 (BBS14). Identifiers: Orphanet 110, MedGen C2673874, MONDO:0014442, OMIM 615991.

Allele frequency attached by ClinVar (database versions not stated): gnomAD exomes 0.00260 and 0.00232; 1000 Genomes Project 0.00180; ExAC 0.00352; TOPMed 0.00230; 1000 Genomes Project 30x 0.00234; gnomAD 0.00187; ESP Exome Variant Server 0.00210.
gnomAD v4.1: 4,074 of 1,600,388 alleles (0.25%); highest among the groups gnomAD compares: Middle Eastern, 0.68%; 9 homozygotes.

Submissions (19):

CeGaT Center for Human Genetics Tuebingen
Classification: Likely benign. Last evaluated: 2026-08-01. Review status: criteria provided, single submitter. Criteria: CeGaT Center For Human Genetics Tuebingen Variant Classification Criteria Version 2. Collection method: clinical testing. Allele origin: germline. Affected: yes. Observed: 17 variant alleles.
Comment: CEP290: BP4, BS2

Labcorp Genetics (formerly Invitae), Labcorp
Classification: Benign for Joubert syndrome; Meckel-Gruber syndrome; Nephronophthisis. Last evaluated: 2026-02-02. Review status: criteria provided, single submitter. Criteria: Invitae Variant Classification Sherloc (09022015). Collection method: clinical testing. Allele origin: germline.

PreventionGenetics, part of Exact Sciences
Classification: Likely benign for CEP290-related condition. Last evaluated: 2025-11-03. Review status: criteria provided, single submitter. Criteria: ACMG Guidelines, 2015. Collection method: clinical testing. Allele origin: germline.
Comment: This variant is classified as likely benign based on ACMG/AMP sequence variant interpretation guidelines (Richards et al. 2015 PMID: 25741868, with internal and published modifications).

Blueprint Genetics
Classification: Likely benign. Last evaluated: 2024-11-20. Review status: criteria provided, single submitter. Criteria: ACMG Guidelines, 2015. Collection method: clinical testing. Allele origin: germline.

Women's Health and Genetics/Laboratory Corporation of America, LabCorp
Classification: Likely benign. Last evaluated: 2022-03-20. Review status: criteria provided, single submitter. Criteria: LabCorp Variant Classification Summary - May 2015. Collection method: clinical testing. Allele origin: germline.
Comment: Variant summary: CEP290 c.4237G>C (p.Asp1413His) results in a non-conservative amino acid change in the encoded protein sequence. Three of five in-silico tools predict a damaging effect of the variant on protein function. The variant allele was found at a frequency of 0.0023 in 229244 control chromosomes in the gnomAD database, including 2 homozygotes. The observed variant frequency is approximately 2.0 fold of the estimated maximal expected allele frequency for a pathogenic variant in CEP290 causing Meckel Syndrome Type 4 phenotype (0.0011), strongly suggesting that the variant is benign. To our knowledge, no penetrant association of c.4237G>C in individuals affected with Meckel Syndrome Type 4 and no experimental evidence demonstrating its impact on protein function have been reported. Nine clinical diagnostic laboratories have submitted clinical-significance assessments for this variant to ClinVar after 2014 without evidence for independent evaluation and a majority consensus as likely benign/benign (n=6) (VUS, n=3). Based on the evidence outlined above, the variant was classified as likely benign.

Genome-Nilou Lab
Classification: Uncertain significance for Bardet-Biedl syndrome 14. Last evaluated: 2021-07-14. Review status: criteria provided, single submitter. Criteria: ACMG Guidelines, 2015. Collection method: clinical testing. Allele origin: germline. Affected: no.

Genome-Nilou Lab
Classification: Uncertain significance for Joubert syndrome 5. Last evaluated: 2021-07-14. Review status: criteria provided, single submitter. Criteria: ACMG Guidelines, 2015. Collection method: clinical testing. Allele origin: germline. Affected: no.

Genome-Nilou Lab
Classification: Uncertain significance for Meckel syndrome, type 4. Last evaluated: 2021-07-14. Review status: criteria provided, single submitter. Criteria: ACMG Guidelines, 2015. Collection method: clinical testing. Allele origin: germline. Affected: no.

Genome-Nilou Lab
Classification: Uncertain significance for Senior-Loken syndrome 6. Last evaluated: 2021-07-14. Review status: criteria provided, single submitter. Criteria: ACMG Guidelines, 2015. Collection method: clinical testing. Allele origin: germline. Affected: no.

GeneDx
Classification: Likely benign. Last evaluated: 2020-01-29. Review status: criteria provided, single submitter. Criteria: GeneDx Variant Classification Process June 2021. Collection method: clinical testing. Allele origin: germline. Affected: yes.
Comment: This variant is associated with the following publications: (PMID: 28127548, 27166760)

Illumina Laboratory Services, Illumina
Classification: Likely benign for Joubert syndrome 5. Last evaluated: 2018-01-12. Review status: criteria provided, single submitter. Criteria: ICSL Variant Classification Criteria 13 December 2019. Collection method: clinical testing. Allele origin: germline.
Comment: This variant was observed in the ICSL laboratory as part of a predisposition screen in an ostensibly healthy population. It had not been previously curated by ICSL or reported in the Human Gene Mutation Database (HGMD: prior to June 1st, 2018), and was therefore a candidate for classification through an automated scoring system. Utilizing variant allele frequency, disease prevalence and penetrance estimates, and inheritance mode, an automated score was calculated to assess if this variant is too frequent to cause the disease. Based on the score and internal cut-off values, a variant classified as likely benign is not then subjected to further curation. The score for this variant resulted in a classification of likely benign for this disease.

Illumina Laboratory Services, Illumina
Classification: Uncertain significance for Meckel syndrome, type 4. Last evaluated: 2018-01-12. Review status: criteria provided, single submitter. Criteria: ICSL Variant Classification Criteria 13 December 2019. Collection method: clinical testing. Allele origin: germline.

Illumina Laboratory Services, Illumina
Classification: Uncertain significance for Leber congenital amaurosis 10. Last evaluated: 2018-01-12. Review status: criteria provided, single submitter. Criteria: ICSL Variant Classification Criteria 13 December 2019. Collection method: clinical testing. Allele origin: germline.

Illumina Laboratory Services, Illumina
Classification: Likely benign for Senior-Loken syndrome 6. Last evaluated: 2018-01-12. Review status: criteria provided, single submitter. Criteria: ICSL Variant Classification Criteria 13 December 2019. Collection method: clinical testing. Allele origin: germline.
Comment: the same text as in the submission from Illumina Laboratory Services, Illumina above.

Illumina Laboratory Services, Illumina
Classification: Likely benign for Bardet-Biedl syndrome 14. Last evaluated: 2018-01-12. Review status: criteria provided, single submitter. Criteria: ICSL Variant Classification Criteria 13 December 2019. Collection method: clinical testing. Allele origin: germline.
Comment: the same text as in the submission from Illumina Laboratory Services, Illumina above.

Center for Pediatric Genomic Medicine, Children's Mercy Hospital and Clinics
Classification: Likely benign. Last evaluated: 2016-09-15. Review status: criteria provided, single submitter. Criteria: ACMG Guidelines, 2015. Collection method: clinical testing. Allele origin: germline.
ClinVar note: Converted during submission from Likely Benign to Likely benign.

Eurofins Ntd Llc (ga)
Classification: Likely benign. Last evaluated: 2015-03-06. Review status: criteria provided, single submitter. Criteria: EGL Classification Definitions 2015. Collection method: clinical testing. Allele origin: germline. Observed: 2 variant alleles, 2 heterozygotes.

Genetic Services Laboratory, University of Chicago
Classification: Uncertain significance. Last evaluated: 2014-05-01. Review status: criteria provided, single submitter. Criteria: ACMG Guidelines, 2007. Collection method: clinical testing. Allele origin: germline.

Natera, Inc.
Classification: Likely benign for Leber congenital amaurosis. Last evaluated: 2020-04-17. Review status: no assertion criteria provided. Collection method: clinical testing. Allele origin: germline. Not counted in ClinVar's aggregate classification.

NM_025114.4(CEP290):c.4237G>C (p.Asp1413His)

Gene: CEP290 (centrosomal protein 290; minus strand). Cytogenetic location: 12q21.32.
Variant type: single nucleotide variant.
Coding change: c.4237G>C on transcript NM_025114.4 (MANE Select); coding-DNA position 4237, G replaced by C.
Protein change: p.Asp1413His; replaces aspartic acid 1413 with histidine.
Molecular consequence: missense variant.
Genome position (GRCh38, 1-based): chr12:88,086,456, C>G on the plus strand (G>C on the coding strand, the complement: CEP290 is on the minus strand). VCF-style: chr12-88086456-C-G. GRCh37 (hg19) VCF-style: chr12-88480233-C-G.
Other names: short protein forms D1413H.
Identifiers: ClinVar variation 96172 (VCV000096172.72), dbSNP rs183655276, ClinGen allele CA149314.